The following is an entry in ClinVar:

ClinVar aggregate classification (germline): Uncertain significance (1 of 4 stars; one submission).

Conditions:
Autosomal dominant nonsyndromic hearing loss 65. Also called: Deafness, autosomal dominant 65; TBC1D24-Related Autosomal Dominant Nonsyndromic Hearing Loss (DFNA). Identifiers: Orphanet 90635, MedGen C3892048, MONDO:0014470, OMIM 616044.
Developmental and epileptic encephalopathy, 1 (DEE1). Also called: INFANTILE SPASM SYNDROME, X-LINKED 1; X-linked infantile spasms; West's syndrome; Tonic spasms with clustering, arrest of psychomotor development and hypsarrhythmia on EEG; X-Linked Infantile Spasm Syndrome; OHTAHARA SYNDROME, X-LINKED. Identifiers: MedGen C3463992, MONDO:0010632, OMIM 308350. Disease mechanism: loss of function.

Submission:

Labcorp Genetics (formerly Invitae), Labcorp
Classification: Uncertain significance for Developmental and epileptic encephalopathy, 1; Autosomal dominant nonsyndromic hearing loss 65. Last evaluated: 2023-04-11. Review status: criteria provided, single submitter. Criteria: Invitae Variant Classification Sherloc (09022015). Collection method: clinical testing. Allele origin: germline.
Comment: Advanced modeling of protein sequence and biophysical properties (such as structural, functional, and spatial information, amino acid conservation, physicochemical variation, residue mobility, and thermodynamic stability) performed at Invitae indicates that this missense variant is not expected to disrupt TBC1D24 protein function. This variant has not been reported in the literature in individuals affected with TBC1D24-related conditions. This variant is not present in population databases (gnomAD no frequency). This sequence change replaces leucine, which is neutral and non-polar, with valine, which is neutral and non-polar, at codon 368 of the TBC1D24 protein (p.Leu368Val). In summary, the available evidence is currently insufficient to determine the role of this variant in disease. Therefore, it has been classified as a Variant of Uncertain Significance.

NM_001199107.2(TBC1D24):c.1102C>G (p.Leu368Val)

Gene: TBC1D24 (TBC1 domain family member 24; plus strand). Cytogenetic location: 16p13.3.
Variant type: single nucleotide variant.
Coding change: c.1102C>G on transcript NM_001199107.2 (MANE Select); coding-DNA position 1102, C replaced by G.
Protein change: p.Leu368Val; replaces leucine 368 with valine.
Molecular consequence: missense variant.
Genome position (GRCh38, 1-based): chr16:2,498,356, C>G. VCF-style: chr16-2498356-C-G. GRCh37 (hg19) VCF-style: chr16-2548357-C-G.
Other names: c.1084C>G, p.Leu362Val (NM_020705.3); short protein forms L368V, L362V.
Identifiers: ClinVar variation 2946591 (VCV002946591.3), dbSNP rs2505520601, ClinGen allele CA394378916.
Genomic context (GRCh38, chr16:2,498,356, plus strand): 5'-AGGGAGATGAGAGACATCTGGTCCTGGGTCCCCGAGCGCTTTGCCCTGTGCCAGCCCCTT[C>G]TGCTGTTCTCCTCCCTGCAGCACGGGTACAGCCTGGCCAGGTAACACCCCAAGGGGCCAG-3'
Protein context (NP_001186036.1, residues 358-378): PERFALCQPL[Leu368Val]LFSSLQHGYS